The following is an entry in ClinVar:

ClinVar aggregate classification (germline): Uncertain significance (1 of 4 stars; one submission).

Conditions:
EGFR-related lung cancer (EGFR). Identifiers: MedGen CN130014.

Submission:

Labcorp Genetics (formerly Invitae), Labcorp
Classification: Uncertain significance for EGFR-related lung cancer. Last evaluated: 2025-12-03. Review status: criteria provided, single submitter. Criteria: Invitae Variant Classification Sherloc (09022015). Collection method: clinical testing. Allele origin: germline.
Comment: This sequence change replaces lysine, which is basic and polar, with arginine, which is basic and polar, at codon 1099 of the EGFR protein (p.Lys1099Arg). This variant is not present in population databases (gnomAD no frequency). This variant has not been reported in the literature in individuals affected with EGFR-related conditions. ClinVar contains an entry for this variant (Variation ID: 1056896). An algorithm developed to predict the effect of missense changes on protein structure and function (PolyPhen-2) suggests that this variant is likely to be tolerated. In summary, the available evidence is currently insufficient to determine the role of this variant in disease. Therefore, it has been classified as a Variant of Uncertain Significance.

NM_005228.5(EGFR):c.3296A>G (p.Lys1099Arg)

Gene: EGFR (epidermal growth factor receptor; plus strand). Cytogenetic location: 7p11.2.
Variant type: single nucleotide variant.
Coding change: c.3296A>G on transcript NM_005228.5 (MANE Select); coding-DNA position 3296, A replaced by G.
Protein change: p.Lys1099Arg; replaces lysine 1099 with arginine.
Molecular consequence: missense variant.
Genome position (GRCh38, 1-based): chr7:55,205,280, A>G. VCF-style: chr7-55205280-A-G. GRCh37 (hg19) VCF-style: chr7-55272973-A-G.
Other names: c.3161A>G, p.Lys1054Arg (NM_001346899.2); c.3137A>G, p.Lys1046Arg (NM_001346900.2); c.2495A>G, p.Lys832Arg (NM_001346941.2); short protein forms K1046R, K1054R, K1099R, K832R.
Identifiers: ClinVar variation 1056896 (VCV001056896.9), dbSNP rs760404029, ClinGen allele CA367584312.
Genomic context (GRCh38, chr7:55,205,280, plus strand): 5'-CTGATTACTTCACCTCTGATTTCTTTCCACTTTCAGAATACATAAACCAGTCCGTTCCCA[A>G]AAGGCCCGCTGGCTCTGTGCAGAATCCTGTCTATCACAATCAGCCTCTGAACCCCGCGCC-3'
Protein context (NP_005219.2, residues 1089-1109): VPEYINQSVP[Lys1099Arg]RPAGSVQNPV